The following is an entry in ClinVar:

ClinVar aggregate classification (germline): Benign/Likely benign. Review status: criteria provided, multiple submitters, no conflicts (2 of 4 stars). 3 submissions from 3 submitters: Benign (1); Likely benign (1). 1 of the submissions does not count toward it. Last evaluated 2025-11-25.

Conditions:
ACTN1-related disorder. Also called: ACTN1-related condition.

Allele frequency attached by ClinVar (database versions not stated): gnomAD exomes 0.00019; ESP Exome Variant Server 0.00023; ExAC 0.00024; 1000 Genomes Project 30x 0.00031; 1000 Genomes Project 0.00040; gnomAD 0.00047; TOPMed 0.00053.
gnomAD v4.1: 349 of 1,614,164 alleles (0.022%); highest among the groups gnomAD compares: African/African-American, 0.13%; no homozygotes.

Submissions (3):

Labcorp Genetics (formerly Invitae), Labcorp
Classification: Benign. Last evaluated: 2025-11-25. Review status: criteria provided, single submitter. Criteria: Invitae Variant Classification Sherloc (09022015). Collection method: clinical testing. Allele origin: germline.

Blueprint Genetics
Classification: Likely benign. Last evaluated: 2024-10-22. Review status: criteria provided, single submitter. Criteria: ACMG Guidelines, 2015. Collection method: clinical testing. Allele origin: germline.

PreventionGenetics, part of Exact Sciences
Classification: Likely benign for ACTN1-related condition. Last evaluated: 2023-10-06. Review status: no assertion criteria provided. Collection method: clinical testing. Allele origin: germline. Not counted in ClinVar's aggregate classification.
Comment: This variant is classified as likely benign based on ACMG/AMP sequence variant interpretation guidelines (Richards et al. 2015 PMID: 25741868, with internal and published modifications).

NM_001130004.2(ACTN1):c.2520C>T (p.Arg840=)

Gene: ACTN1 (actinin alpha 1; minus strand). Cytogenetic location: 14q24.1.
Variant type: single nucleotide variant.
Coding change: c.2520C>T on transcript NM_001130004.2 (MANE Select); coding-DNA position 2520, C replaced by T.
Protein change: p.Arg840=; no amino-acid change (arginine 840 retained).
Molecular consequence: synonymous variant.
Genome position (GRCh38, 1-based): chr14:68,877,148, G>A on the plus strand (C>T on the coding strand, the complement: ACTN1 is on the minus strand). VCF-style: chr14-68877148-G-A. GRCh37 (hg19) VCF-style: chr14-69343865-G-A.
Other names: c.2454C>T, p.Arg818= (NM_001102.4); c.2439C>T, p.Arg813= (NM_001130005.2); c.2463C>T, p.Arg821= (NM_001411035.1); c.2259C>T, p.Arg753= (NM_001411036.1).
Identifiers: ClinVar variation 2043439 (VCV002043439.7), dbSNP rs141539823, ClinGen allele CA7241977.